The following is an entry in ClinVar:

NM_000038.6(APC):c.8448A>C (p.Arg2816=)

Gene: APC (APC regulator of Wnt signaling pathway; plus strand). Cytogenetic location: 5q22.2.
Variant type: single nucleotide variant.
Coding change: c.8448A>C on transcript NM_000038.6 (MANE Select); coding-DNA position 8448, A replaced by C.
Protein change: p.Arg2816=; no amino-acid change (arginine 2816 retained).
Molecular consequence: synonymous variant.
Genome position (GRCh38, 1-based): chr5:112,844,042, A>C. VCF-style: chr5-112844042-A-C. GRCh37 (hg19) VCF-style: chr5-112179739-A-C.
Other names: c.8448A>C, p.Arg2816= (NM_001127510.3, NM_001354895.2); c.8394A>C, p.Arg2798= (NM_001127511.3); c.8502A>C, p.Arg2834= (NM_001354896.2); c.8478A>C, p.Arg2826= (NM_001354897.2); c.8373A>C, p.Arg2791= (NM_001354898.2); c.8364A>C, p.Arg2788= (NM_001354899.2); c.8325A>C, p.Arg2775= (NM_001354900.2); c.8271A>C, p.Arg2757= (NM_001354901.2); and 5 more.
Identifiers: ClinVar variation 822426 (VCV000822426.5), dbSNP rs1580693799, ClinGen allele CA446211396.

ClinVar aggregate classification (germline): Benign/Likely benign. Review status: criteria provided, multiple submitters, no conflicts (2 of 4 stars). 2 submissions from 2 submitters: Benign (1); Likely benign (1). Last evaluated 2024-04-16.

Conditions:
Familial adenomatous polyposis 1 (FAP1). Also called: FAMILIAL ADENOMATOUS POLYPOSIS 1, ATTENUATED; POLYPOSIS, ADENOMATOUS INTESTINAL. Identifiers: MedGen C2713442, MONDO:0021056, OMIM 175100. Disease mechanism: loss of function.
Hereditary cancer-predisposing syndrome. Also called: Tumor predisposition; Hereditary Cancer Syndrome; Neoplastic Syndromes, Hereditary; Hereditary neoplastic syndrome. Identifiers: Orphanet 140162, MedGen C0027672, MeSH D009386, MONDO:0015356.

Submissions (2):

Myriad Genetics, Inc.
Classification: Benign for Familial adenomatous polyposis 1. Last evaluated: 2024-04-16. Review status: criteria provided, single submitter. Criteria: Myriad Autosomal Dominant, Autosomal Recessive and X-Linked Classification Criteria (2023). Collection method: clinical testing. Allele origin: unknown.
Comment: This variant is considered benign. This variant is a silent/synonymous amino acid change and it is not expected to impact splicing.

Ambry Genetics
Classification: Likely benign for Hereditary cancer-predisposing syndrome. Last evaluated: 2019-10-31. Review status: criteria provided, single submitter. Criteria: Ambry Variant Classification Scheme 2023. Collection method: clinical testing. Allele origin: germline.